The following is an entry in ClinVar:

NM_001386140.1(MTTP):c.34A>G (p.Ile12Val)

Gene: MTTP (microsomal triglyceride transfer protein; plus strand). Cytogenetic location: 4q23.
Variant type: single nucleotide variant.
Coding change: c.34A>G on transcript NM_001386140.1 (MANE Select); coding-DNA position 34, A replaced by G.
Protein change: p.Ile12Val; replaces isoleucine 12 with valine.
Molecular consequence: missense variant. On other transcripts: intron variant (1).
Genome position (GRCh38, 1-based): chr4:99,574,943, A>G. VCF-style: chr4-99574943-A-G. GRCh37 (hg19) VCF-style: chr4-100496100-A-G.
Other names: p.Ile12Val; c.34A>G, p.Ile12Val (NM_000253.4); c.-188-6962A>G (NM_001300785.2); c.34A>G (NM_000253.3); short protein forms I12V.
Identifiers: ClinVar variation 989812 (VCV000989812.4), dbSNP rs764357849, ClinGen allele CA102610832.

ClinVar aggregate classification (germline): Uncertain significance. Review status: criteria provided, multiple submitters, no conflicts (2 of 4 stars). 3 submissions from 3 submitters: Uncertain significance (2). 1 of the submissions does not count toward it. Last evaluated 2025-11-08.

Conditions:
Abetalipoproteinaemia (ABL). Also called: MTP DEFICIENCY; Abetalipoproteinemia; Abetalipoproteinemia neuropathy; Apolipoprotein B deficiency; Congenital betalipoprotein deficiency syndrome. Identifiers: Orphanet 14, MedGen C0000744, MONDO:0008692, OMIM 200100, HP:0008181.

Allele frequency attached by ClinVar (database versions not stated): gnomAD exomes 0.00001 and 0.00004; gnomAD 0.00004 and 0.00003; TOPMed 0.00002.
gnomAD v4.1: 64 of 1,613,912 alleles (0.004%); highest among the groups gnomAD compares: Non-Finnish European, 0.0053%; no homozygotes.

Submissions (3):

Mayo Clinic Laboratories, Mayo Clinic
Classification: Uncertain significance. Last evaluated: 2025-11-08. Review status: criteria provided, single submitter. Criteria: ACMG Guidelines, 2015. Collection method: clinical testing. Allele origin: germline. Observed: 1 variant allele.
Comment: BP4_moderate, PM2_supporting

Labcorp Genetics (formerly Invitae), Labcorp
Classification: Uncertain significance. Last evaluated: 2022-03-04. Review status: criteria provided, single submitter. Criteria: Invitae Variant Classification Sherloc (09022015). Collection method: clinical testing. Allele origin: germline.
Comment: This sequence change replaces isoleucine, which is neutral and non-polar, with valine, which is neutral and non-polar, at codon 12 of the MTTP protein (p.Ile12Val). This variant is present in population databases (rs764357849, gnomAD 0.003%). This variant has not been reported in the literature in individuals affected with MTTP-related conditions. ClinVar contains an entry for this variant (Variation ID: 989812). Algorithms developed to predict the effect of missense changes on protein structure and function (SIFT, PolyPhen-2, Align-GVGD) all suggest that this variant is likely to be tolerated. In summary, the available evidence is currently insufficient to determine the role of this variant in disease. Therefore, it has been classified as a Variant of Uncertain Significance.

Natera, Inc.
Classification: Uncertain significance for Abetalipoproteinemia. Last evaluated: 2020-08-13. Review status: no assertion criteria provided. Collection method: clinical testing. Allele origin: germline. Not counted in ClinVar's aggregate classification.